The following is an entry in ClinVar:

ClinVar aggregate classification (germline): Uncertain significance (1 of 4 stars; one submission).

Allele frequency attached by ClinVar (database versions not stated): gnomAD 0.00001; gnomAD exomes 0.00001.
gnomAD v4.1: 18 of 1,613,760 alleles (0.0011%); highest among the groups gnomAD compares: Non-Finnish European, 0.0014%; no homozygotes.

Submission:

Greenwood Genetic Center Diagnostic Laboratories, Greenwood Genetic Center
Classification: Uncertain significance. Last evaluated: 2022-07-12. Review status: criteria provided, single submitter. Criteria: ACMG Guidelines, 2015. Collection method: clinical testing. Allele origin: germline. Affected: yes.
Comment: PM2, BP4

NM_001134407.3(GRIN2A):c.4076C>T (p.Pro1359Leu)

Gene: GRIN2A (glutamate ionotropic receptor NMDA type subunit 2A; minus strand). Cytogenetic location: 16p13.2.
Variant type: single nucleotide variant.
Coding change: c.4076C>T on transcript NM_001134407.3 (MANE Select); coding-DNA position 4076, C replaced by T.
Protein change: p.Pro1359Leu; replaces proline 1359 with leucine.
Molecular consequence: missense variant. On other transcripts: intron variant (1).
Genome position (GRCh38, 1-based): chr16:9,763,468, G>A on the plus strand (C>T on the coding strand, the complement: GRIN2A is on the minus strand). VCF-style: chr16-9763468-G-A. GRCh37 (hg19) VCF-style: chr16-9857325-G-A.
Other names: c.4076C>T, p.Pro1359Leu (NM_000833.5); c.3773-40C>T (NM_001134408.2); short protein forms P1359L.
Identifiers: ClinVar variation 1710370 (VCV001710370.3), dbSNP rs1900687910, ClinGen allele CA394706151.